The following is an entry in ClinVar:

ClinVar aggregate classification (germline): Likely benign (1 of 4 stars; one submission).

gnomAD v4.1: 9 of 1,121,842 alleles (0.0008%); highest among the groups gnomAD compares: Non-Finnish European, 0.0011%; no homozygotes.

Submission:

Women's Health and Genetics/Laboratory Corporation of America, LabCorp
Classification: Likely benign. Last evaluated: 2024-12-04. Review status: criteria provided, single submitter. Criteria: LabCorp Variant Classification Summary - May 2015. Collection method: clinical testing. Allele origin: germline.
Comment: Variant summary: THOC2 c.2136+6A>G alters a non-conserved nucleotide located close to a canonical splice site and therefore could affect mRNA splicing, leading to a significantly altered protein sequence. Consensus agreement among computation tools predict no significant impact on normal splicing. However, these predictions have yet to be confirmed by functional studies. The variant allele was found at a frequency of 8e-06 in 1121842 control chromosomes in the gnomAD database, including 3 hemizygotes. To our knowledge, no occurrence of c.2136+6A>G in individuals affected with THOC2-related conditions and no experimental evidence demonstrating its impact on protein function have been reported. No submitters have cited clinical-significance assessments for this variant to ClinVar. Based on the evidence outlined above, the variant was classified as likely benign.

NM_001081550.2(THOC2):c.2136+6A>G

Gene: THOC2 (THO complex subunit 2; minus strand). Cytogenetic location: Xq25.
Variant type: single nucleotide variant.
Coding change: c.2136+6A>G on transcript NM_001081550.2 (MANE Select); 6 bases into the intron after coding-DNA position 2136, A replaced by G.
Molecular consequence: intron variant.
Genome position (GRCh38, 1-based): chrX:123,633,947, T>C on the plus strand (A>G on the coding strand, the complement: THOC2 is on the minus strand). VCF-style: chrX-123633947-T-C. GRCh37 (hg19) VCF-style: chrX-122767798-T-C.
Identifiers: ClinVar variation 3768278 (VCV003768278.1).